The following is an entry in ClinVar:

NM_020297.4(ABCC9):c.1266T>G (p.Asn422Lys)

Gene: ABCC9 (ATP binding cassette subfamily C member 9; minus strand). Cytogenetic location: 12p12.1.
Variant type: single nucleotide variant.
Coding change: c.1266T>G on transcript NM_020297.4 (MANE Select); coding-DNA position 1266, T replaced by G.
Protein change: p.Asn422Lys; replaces asparagine 422 with lysine.
Molecular consequence: missense variant.
Genome position (GRCh38, 1-based): chr12:21,910,211, A>C on the plus strand (T>G on the coding strand, the complement: ABCC9 is on the minus strand). VCF-style: chr12-21910211-A-C. GRCh37 (hg19) VCF-style: chr12-22063145-A-C.
Other names: c.1266T>G, p.Asn422Lys (NM_001377273.1, NM_005691.4); c.402T>G, p.Asn134Lys (NM_001377274.1); short protein forms N134K, N422K.
Identifiers: ClinVar variation 2861982 (VCV002861982.3), dbSNP rs2541667683, ClinGen allele CA384117987.
Genomic context (GRCh38, chr12:21,910,211, plus strand): 5'-ACCTACCTGAACAGGCATAGCCCATAGATTGGGACACAGGAACAAAAACCACATGAGTTG[A>C]TTAGTTTCAATGGCGACTAAGTTGTTGATCTGCCCCAGAGTCATCTCCCCCATGGATAAG-3'
Protein context (NP_064693.2, residues 412-432): QINNLVAIET[Asn422Lys]QLMWFLFLCP

ClinVar aggregate classification (germline): Pathogenic (1 of 4 stars; one submission).

Conditions:
Dilated cardiomyopathy 1O (CMD1O). Also called: CARDIOMYOPATHY, DILATED, WITH VENTRICULAR TACHYCARDIA. Identifiers: Orphanet 154, MedGen C1837839, MONDO:0012062, OMIM 608569.

Submission:

Labcorp Genetics (formerly Invitae), Labcorp
Classification: Pathogenic for Dilated cardiomyopathy 1O. Last evaluated: 2023-06-05. Review status: criteria provided, single submitter. Criteria: Invitae Variant Classification Sherloc (09022015). Collection method: clinical testing. Allele origin: germline.
Comment: This sequence change replaces asparagine, which is neutral and polar, with lysine, which is basic and polar, at codon 422 of the ABCC9 protein (p.Asn422Lys). This variant is not present in population databases (gnomAD no frequency). This missense change has been observed in individual(s) with clinical features of Cantu syndrome (Invitae). In at least one individual the variant was observed to be de novo. Advanced modeling of protein sequence and biophysical properties (such as structural, functional, and spatial information, amino acid conservation, physicochemical variation, residue mobility, and thermodynamic stability) performed at Invitae indicates that this missense variant is expected to disrupt ABCC9 protein function. For these reasons, this variant has been classified as Pathogenic.